The following is an entry in ClinVar:

NM_012414.4(RAB3GAP2):c.3637C>T (p.Arg1213Ter)

Gene: RAB3GAP2 (RAB3 GTPase activating non-catalytic protein subunit 2; minus strand). Cytogenetic location: 1q41.
Variant type: single nucleotide variant.
Coding change: c.3637C>T on transcript NM_012414.4 (MANE Select); coding-DNA position 3637, C replaced by T.
Protein change: p.Arg1213Ter; replaces arginine 1213 with a stop codon.
Molecular consequence: nonsense.
Genome position (GRCh38, 1-based): chr1:220,153,976, G>A on the plus strand (C>T on the coding strand, the complement: RAB3GAP2 is on the minus strand). VCF-style: chr1-220153976-G-A. GRCh37 (hg19) VCF-style: chr1-220327318-G-A.
Other names: short protein forms R1213*.
Identifiers: ClinVar variation 100789 (VCV000100789.5), dbSNP rs587777169, ClinGen allele CA150656.
Genomic context (GRCh38, chr1:220,153,976, plus strand): 5'-TTATGTTTTTTTTTCCAAGAAACAAAAACAAAATCCAATAGCTATAATTTACCTGTTGTC[G>A]TACAGAAATAAAATTTGGATCCATTTCCCCACTAGGTAATAACTGAATTGAAGTTAGGTC-3'

ClinVar aggregate classification (germline): Pathogenic. Review status: criteria provided, multiple submitters, no conflicts (2 of 4 stars). 3 submissions from 3 submitters: Pathogenic (2). 1 of the submissions does not count toward it. Last evaluated 2026-02-09.

Conditions:
Warburg micro syndrome 2 (WARBM2). Also called: MICRO SYNDROME 2. Identifiers: Orphanet 2510, MedGen C3280214, MONDO:0013641, OMIM 614225.

Allele frequency attached by ClinVar (database versions not stated): TOPMed 0.00001; ExAC 0.00002.
gnomAD v4.1: 11 of 1,612,842 alleles (0.00068%); highest among the groups gnomAD compares: South Asian, 0.0033%; no homozygotes.

Submissions (3):

Ozbek Human Genetics Laboratory, Izmir Biomedicine and Genome Center
Classification: Pathogenic for Warburg micro syndrome 2. Last evaluated: 2026-02-09. Review status: criteria provided, single submitter. Criteria: ACMG Guidelines, 2015. Collection method: research. Allele origin: unknown. Affected: yes. Observed: 1 variant allele, 1 homozygote.
Comment: A homozygous p.Arg1213* stop-gain variant was detected in exon 32 of the RAB3GAP2 gene (NM_012414.4). This variant is very rarely observed in population databases and has not been observed in a homozygous state (PM2). The variant causes protein truncation in a disease-associated gene (PVS1). It has been previously reported in a homozygous state for an autosomal recessive disorder (PM2). The variant also has pathogenic entries in the ClinVar database. Based on this information, this variant is classified as Pathogenic according to ACMG criteria. The RAB3GAP2 gene is associated with the "Warburg micro syndrome 2" phenotype in the OMIM database. Data obtained via the RAREBOOST project (Horizon 2020 ERA Chairs at Izmir Biomedicine and Genome Center - IBG)

Laboratorio de Genetica e Diagnostico Molecular, Hospital Israelita Albert Einstein
Classification: Pathogenic. Last evaluated: 2021-04-06. Review status: criteria provided, single submitter. Criteria: ACMG Guidelines, 2015. Collection method: clinical testing. Allele origin: germline. Affected: yes.
Comment: ACMG classification criteria: PVS1, PM2, PP5

OMIM
Classification: Pathogenic for WARBURG MICRO SYNDROME 2. Last evaluated: 2013-05-01. Review status: no assertion criteria provided. Collection method: literature only. Allele origin: germline. Not counted in ClinVar's aggregate classification.

Literature cited by the submitters: PubMed 23420520 (cited by OMIM).